The following is an entry in ClinVar:

NM_000152.5(GAA):c.1922T>G (p.Leu641Arg)

Gene: GAA (alpha glucosidase; plus strand). Cytogenetic location: 17q25.3.
Variant type: single nucleotide variant.
Coding change: c.1922T>G on transcript NM_000152.5 (MANE Select); coding-DNA position 1922, T replaced by G.
Protein change: p.Leu641Arg; replaces leucine 641 with arginine.
Molecular consequence: missense variant.
Genome position (GRCh38, 1-based): chr17:80,112,909, T>G. VCF-style: chr17-80112909-T-G. GRCh37 (hg19) VCF-style: chr17-78086708-T-G.
Other names: c.1922T>G, p.Leu641Arg (NM_001079803.3, NM_001079804.3, NM_001406741.1 and 1 more transcripts); short protein forms L641R.
Identifiers: ClinVar variation 4876585 (VCV004876585.1).

ClinVar aggregate classification (germline): Uncertain significance (1 of 4 stars; one submission).

Conditions:
Glycogen storage disease, type II (IOPD). Also called: Pompe Disease; CARDIOMEGALIA GLYCOGENICA DIFFUSA; GLYCOGENOSIS, GENERALIZED, CARDIAC FORM; GSD II; POMPE DISEASE, INFANTILE-ONSET; GLYCOGEN STORAGE DISEASE II, INFANTILE-ONSET. Identifiers: Orphanet 365, MedGen C0017921, MONDO:0009290, OMIM 232300.

Submission:

Genomenon, Inc
Classification: Uncertain significance for Glycogen storage disease, type II. Last evaluated: 2026-07-01. Review status: criteria provided, single submitter. Criteria: Genomenon Sequence Variant Interpretation Standards - Updated. Collection method: curation. Allele origin: germline. Affected: yes.
Comment: GAA p.Leu641Arg (c.1922T>G) is a missense variant that changes the amino acid at codon 641 from Leucine to Arginine. This variant has been observed in at least one proband with a GAA-related disorder (PMID:40225932). It is absent or not present at a significant frequency in gnomAD. In silico models predict that this variant is possibly or probably damaging. In conclusion, we classify GAA p.Leu641Arg (c.1922T>G) as a variant of uncertain significance.

Literature cited by the submitters: PubMed 40225932.